The following is an entry in ClinVar:

NM_001481.3(DRC4):c.601G>A (p.Asp201Asn)

Gene: DRC4 (dynein regulatory complex subunit 4; plus strand). Cytogenetic location: 16q24.3.
Variant type: single nucleotide variant.
Coding change: c.601G>A on transcript NM_001481.3 (MANE Select); coding-DNA position 601, G replaced by A.
Protein change: p.Asp201Asn; replaces aspartic acid 201 with asparagine.
Molecular consequence: missense variant.
Genome position (GRCh38, 1-based): chr16:90,036,431, G>A. VCF-style: chr16-90036431-G-A. GRCh37 (hg19) VCF-style: chr16-90102839-G-A.
Other names: c.352G>A, p.Asp118Asn (NM_001286205.2); c.25G>A, p.Asp9Asn (NM_001286208.2); c.526G>A, p.Asp176Asn (NM_001286209.2); short protein forms D201N, D176N, D9N, D118N.
Identifiers: ClinVar variation 542265 (VCV000542265.10), dbSNP rs1039044975, ClinGen allele CA286659044.

ClinVar aggregate classification (germline): Uncertain significance. Review status: criteria provided, multiple submitters, no conflicts (2 of 4 stars). 2 submissions from 2 submitters: Uncertain significance (2). Last evaluated 2024-06-07.

Conditions:
Primary ciliary dyskinesia 33. Also called: CILIARY DYSKINESIA, PRIMARY, 33, WITHOUT SITUS INVERSUS. Identifiers: Orphanet 244, MedGen C4225230, MONDO:0014750, OMIM 616726.

Allele frequency attached by ClinVar (database versions not stated): gnomAD 0.00001; gnomAD exomes 0.00001; TOPMed 0.00002.
gnomAD v4.1: 13 of 1,612,708 alleles (0.00081%); highest among the groups gnomAD compares: African/African-American, 0.0013%; no homozygotes.

Submissions (2):

Blueprint Genetics
Classification: Uncertain significance. Last evaluated: 2024-06-07. Review status: criteria provided, single submitter. Criteria: ACMG Guidelines, 2015. Collection method: clinical testing. Allele origin: germline.

Labcorp Genetics (formerly Invitae), Labcorp
Classification: Uncertain significance for Primary ciliary dyskinesia 33. Last evaluated: 2018-10-24. Review status: criteria provided, single submitter. Criteria: Invitae Variant Classification Sherloc (09022015). Collection method: clinical testing. Allele origin: germline.
Comment: This variant has not been reported in the literature in individuals with GAS8-related disease. ClinVar contains an entry for this variant (Variation ID: 542265). In summary, the available evidence is currently insufficient to determine the role of this variant in disease. Therefore, it has been classified as a Variant of Uncertain Significance. Algorithms developed to predict the effect of missense changes on protein structure and function are either unavailable or do not agree on the potential impact of this missense change (SIFT: "Deleterious"; PolyPhen-2: "Benign"; Align-GVGD: "Class C0"). This variant is not present in population databases (ExAC no frequency). This sequence change replaces aspartic acid with asparagine at codon 201 of the GAS8 protein (p.Asp201Asn). The aspartic acid residue is moderately conserved and there is a small physicochemical difference between aspartic acid and asparagine.